The following is an entry in ClinVar:

ClinVar aggregate classification (germline): Uncertain significance (1 of 4 stars; one submission).

Submission:

GeneDx
Classification: Uncertain significance. Last evaluated: 2021-01-18. Review status: criteria provided, single submitter. Criteria: GeneDx Variant Classification Process June 2021. Collection method: clinical testing. Allele origin: germline. Affected: yes.
Comment: Has not been previously published as pathogenic or benign to our knowledge; Not observed in large population cohorts (Lek et al., 2016); Nonsense variant predicted to result in protein truncation or nonsense mediated decay in a gene for which loss-of-function is not a known mechanism of disease

NM_000257.4(MYH7):c.3631C>T (p.Gln1211Ter)

Gene: MYH7 (myosin heavy chain 7; minus strand). Cytogenetic location: 14q11.2.
Variant type: single nucleotide variant.
Coding change: c.3631C>T on transcript NM_000257.4 (MANE Select); coding-DNA position 3631, C replaced by T.
Protein change: p.Gln1211Ter; replaces glutamine 1211 with a stop codon.
Molecular consequence: nonsense.
Genome position (GRCh38, 1-based): chr14:23,419,940, G>A on the plus strand (C>T on the coding strand, the complement: MYH7 is on the minus strand). VCF-style: chr14-23419940-G-A. GRCh37 (hg19) VCF-style: chr14-23889149-G-A.
Other names: short protein forms Q1211*.
Identifiers: ClinVar variation 1319037 (VCV001319037.2), dbSNP rs1892401667, ClinGen allele CA389043232.